The following is an entry in ClinVar:

ClinVar aggregate classification (germline): Uncertain significance (1 of 4 stars; one submission).

Conditions:
Congenital myasthenic syndrome 14. Also called: Myasthenic syndrome, congenital, 14, with tubular aggregates. Identifiers: Orphanet 353327, Orphanet 590, MedGen C4015597, MONDO:0014543, OMIM 616228.

gnomAD v4.1: 1 of 1,598,680 alleles (0.000063%); no homozygotes.

Submission:

3billion
Classification: Uncertain significance for Congenital myasthenic syndrome 14. Last evaluated: 2025-05-07. Review status: criteria provided, single submitter. Criteria: ACMG Guidelines, 2015. Collection method: clinical testing. Allele origin: germline. Affected: yes.
Comment: The variant is observed at an extremely low frequency in the gnomAD v4.1.0 dataset (total allele frequency: <0.001%). Predicted Consequence/Location: Missense variant In silico tool predictions suggest damaging effect of the variant on gene or gene product [REVEL: 0.72 (>=0.6, sensitivity 0.68 and specificity 0.92)]. Therefore, this variant is classified as VUS according to the recommendation of ACMG/AMP guideline.

NM_033087.4(ALG2):c.160T>G (p.Tyr54Asp)

Gene: ALG2 (ALG2 alpha-1,3/1,6-mannosyltransferase; minus strand). Cytogenetic location: 9q22.33.
Variant type: single nucleotide variant.
Coding change: c.160T>G on transcript NM_033087.4 (MANE Select); coding-DNA position 160, T replaced by G.
Protein change: p.Tyr54Asp; replaces tyrosine 54 with aspartic acid.
Molecular consequence: missense variant. On other transcripts: non-coding transcript variant (1).
Genome position (GRCh38, 1-based): chr9:99,221,735, A>C on the plus strand (T>G on the coding strand, the complement: ALG2 is on the minus strand). VCF-style: chr9-99221735-A-C. GRCh37 (hg19) VCF-style: chr9-101984017-A-C.
Other names: short protein forms Y54D.
Identifiers: ClinVar variation 4855373 (VCV004855373.1).
Genomic context (GRCh38, chr9:99,221,735, plus strand): 5'-AGTCCCCGGCACAGCGCACCGGTAGCTCGCGGCTCTCGGCGAAACAGTGGCCCGGGTCGT[A>C]GTGCGCTGTCCAGATCTTCACGCTACACCCGCGCGCCTGCAGCGCCAGCGCCGCGTCCAA-3'
Protein context (NP_149078.1, residues 44-64): GCSVKIWTAH[Tyr54Asp]DPGHCFAESR